The following is an entry in ClinVar:

ClinVar aggregate classification (germline): Likely benign (1 of 4 stars; one submission).

Allele frequency attached by ClinVar (database versions not stated): gnomAD exomes 0.00001.
gnomAD v4.1: 7 of 1,614,112 alleles (0.00043%); highest among the groups gnomAD compares: Non-Finnish European, 0.00059%; no homozygotes.

Submission:

CeGaT Center for Human Genetics Tuebingen
Classification: Likely benign. Last evaluated: 2024-03-01. Review status: criteria provided, single submitter. Criteria: CeGaT Center For Human Genetics Tuebingen Variant Classification Criteria Version 2. Collection method: clinical testing. Allele origin: germline. Affected: yes. Observed: 1 variant allele.
Comment: SMARCA2: BP4, BP7

NM_003070.5(SMARCA2):c.4044A>G (p.Arg1348=)

Gene: SMARCA2 (SWI/SNF related BAF chromatin remodeling complex subunit ATPase 2; plus strand). Cytogenetic location: 9p24.3.
Variant type: single nucleotide variant.
Coding change: c.4044A>G on transcript NM_003070.5 (MANE Select); coding-DNA position 4044, A replaced by G.
Protein change: p.Arg1348=; no amino-acid change (arginine 1348 retained).
Molecular consequence: synonymous variant.
Genome position (GRCh38, 1-based): chr9:2,161,748, A>G. VCF-style: chr9-2161748-A-G. GRCh37 (hg19) VCF-style: chr9-2161748-A-G.
Other names: c.4044A>G, p.Arg1348= (NM_001289396.2, NM_139045.4); c.3870A>G, p.Arg1290= (NM_001289397.2); c.72A>G, p.Arg24= (NM_001289398.2); c.156A>G, p.Arg52= (NM_001289399.2); c.162A>G, p.Arg54= (NM_001289400.2).
Identifiers: ClinVar variation 3067498 (VCV003067498.21), dbSNP rs1026734450, ClinGen allele CA187920288.